The following is an entry in ClinVar:

ClinVar aggregate classification (germline): Uncertain significance (1 of 4 stars; one submission).

Allele frequency attached by ClinVar (database versions not stated): gnomAD exomes below 0.00001.
gnomAD v4.1: 3 of 1,612,256 alleles (0.00019%); highest among the groups gnomAD compares: Non-Finnish European, 0.00025%; no homozygotes.

Submission:

Labcorp Genetics (formerly Invitae), Labcorp
Classification: Uncertain significance. Last evaluated: 2022-07-27. Review status: criteria provided, single submitter. Criteria: Invitae Variant Classification Sherloc (09022015). Collection method: clinical testing. Allele origin: germline.
Comment: In summary, the available evidence is currently insufficient to determine the role of this variant in disease. Therefore, it has been classified as a Variant of Uncertain Significance. Algorithms developed to predict the effect of missense changes on protein structure and function are either unavailable or do not agree on the potential impact of this missense change (SIFT: "Deleterious"; PolyPhen-2: "Probably Damaging"; Align-GVGD: "Class C0"). This variant has not been reported in the literature in individuals affected with LEMD3-related conditions. This variant is not present in population databases (gnomAD no frequency). This sequence change replaces aspartic acid, which is acidic and polar, with glycine, which is neutral and non-polar, at codon 869 of the LEMD3 protein (p.Asp869Gly).

NM_014319.5(LEMD3):c.2606A>G (p.Asp869Gly)

Gene: LEMD3 (LEM domain containing 3; plus strand). Cytogenetic location: 12q14.3.
Variant type: single nucleotide variant.
Coding change: c.2606A>G on transcript NM_014319.5 (MANE Select); coding-DNA position 2606, A replaced by G.
Protein change: p.Asp869Gly; replaces aspartic acid 869 with glycine.
Molecular consequence: missense variant.
Genome position (GRCh38, 1-based): chr12:65,246,195, A>G. VCF-style: chr12-65246195-A-G. GRCh37 (hg19) VCF-style: chr12-65639975-A-G.
Other names: c.2603A>G, p.Asp868Gly (NM_001167614.2); short protein forms D868G, D869G.
Identifiers: ClinVar variation 1916580 (VCV001916580.5), dbSNP rs2498913965, ClinGen allele CA385676468.